The following is an entry in ClinVar:

ClinVar aggregate classification (germline): Pathogenic/Likely pathogenic. Review status: criteria provided, multiple submitters, no conflicts (2 of 4 stars). 4 submissions from 4 submitters: Pathogenic (2); Likely pathogenic (2). Last evaluated 2024-07-11.

Conditions:
Intellectual disability. Also called: intellectual disabilities; Intellectual functioning disability; Intellectual developmental disorder. Identifiers: MedGen C3714756, MeSH D008607, MONDO:0001071, HP:0001249.

Submissions (4):

Labcorp Genetics (formerly Invitae), Labcorp
Classification: Pathogenic. Last evaluated: 2024-07-11. Review status: criteria provided, single submitter. Criteria: Invitae Variant Classification Sherloc (09022015). Collection method: clinical testing. Allele origin: germline.
Comment: This sequence change replaces arginine, which is basic and polar, with histidine, which is basic and polar, at codon 83 of the NAA10 protein (p.Arg83His). This variant is not present in population databases (gnomAD no frequency). This missense change has been observed in individual(s) with clinical feature of N-terminal acetyltransferase deficiency (PMID: 31088393, 31174490). In at least one individual the variant was observed to be de novo. ClinVar contains an entry for this variant (Variation ID: 691256). An algorithm developed to predict the effect of missense changes on protein structure and function (PolyPhen-2) suggests that this variant is likely to be disruptive. Experimental studies have shown that this missense change affects NAA10 function (PMID: 31174490). This variant disrupts the p.Arg83 amino acid residue in NAA10. Other variant(s) that disrupt this residue have been determined to be pathogenic (PMID: 27094817). This suggests that this residue is clinically significant, and that variants that disrupt this residue are likely to be disease-causing. For these reasons, this variant has been classified as Pathogenic.

GeneDx
Classification: Pathogenic. Last evaluated: 2022-07-11. Review status: criteria provided, single submitter. Criteria: GeneDx Variant Classification Process June 2021. Collection method: clinical testing. Allele origin: germline. Affected: yes.
Comment: Published functional studies demonstrate reduced enzymatic activity compared to wildtype, likely due to impaired enzyme-Ac-CoA binding (Ree et al., 2019); Not observed at significant frequency in large population cohorts (gnomAD); This variant is associated with the following publications: (PMID: 31174490, 31088393)

Diagnostic Laboratory, Strasbourg University Hospital
Classification: Likely pathogenic for Intellectual disability. Last evaluated: 2020-04-20. Review status: criteria provided, single submitter. Criteria: ACMG Guidelines, 2015. Collection method: clinical testing. Allele origin: maternal. Inheritance: X-linked inheritance. Affected: yes. Observed: 1 hemizygote.

Department of Genetics, Rouen University Hospital, Normandy Center for Genomic and Personalized Medicine
Classification: Likely pathogenic for Intellectual disability. Last evaluated: 2017-07-31. Review status: criteria provided, single submitter. Criteria: ACMG Guidelines, 2015. Collection method: clinical testing. Allele origin: de novo. Affected: yes.

Literature cited by the submitters: PubMed 31088393 (cited by Labcorp Genetics (formerly Invitae), Labcorp); PubMed 31174490 (cited by Labcorp Genetics (formerly Invitae), Labcorp); PubMed 27094817 (cited by Labcorp Genetics (formerly Invitae), Labcorp).

NM_003491.4(NAA10):c.248G>A (p.Arg83His)

Gene: NAA10 (N-alpha-acetyltransferase 10, NatA catalytic subunit; minus strand). Cytogenetic location: Xq28.
Variant type: single nucleotide variant.
Coding change: c.248G>A on transcript NM_003491.4 (MANE Select); coding-DNA position 248, G replaced by A.
Protein change: p.Arg83His; replaces arginine 83 with histidine.
Molecular consequence: missense variant.
Genome position (GRCh38, 1-based): chrX:153,932,409, C>T on the plus strand (G>A on the coding strand, the complement: NAA10 is on the minus strand). VCF-style: chrX-153932409-C-T. GRCh37 (hg19) VCF-style: chrX-153197862-C-T.
Other names: c.248G>A, p.Arg83His (NM_001256119.2); c.230G>A, p.Arg77His (NM_001256120.2); short protein forms R77H, R83H.
Identifiers: ClinVar variation 691256 (VCV000691256.6), dbSNP rs1603290366, ClinGen allele CA415159470.